The following is an entry in ClinVar:

NM_001166108.2(PALLD):c.1955A>T (p.Lys652Ile)

Gene: PALLD (palladin, cytoskeletal associated protein; plus strand). Cytogenetic location: 4q32.3.
Variant type: single nucleotide variant.
Coding change: c.1955A>T on transcript NM_001166108.2 (MANE Select); coding-DNA position 1955, A replaced by T.
Protein change: p.Lys652Ile; replaces lysine 652 with isoleucine.
Molecular consequence: missense variant.
Genome position (GRCh38, 1-based): chr4:168,711,914, A>T. VCF-style: chr4-168711914-A-T. GRCh37 (hg19) VCF-style: chr4-169633065-A-T.
Other names: c.809A>T, p.Lys270Ile (NM_001166109.2); c.1955A>T, p.Lys652Ile (NM_016081.4); short protein forms K270I, K652I.
Identifiers: ClinVar variation 1783291 (VCV001783291.2), dbSNP rs370665218, ClinGen allele CA358798917.

ClinVar aggregate classification (germline): Uncertain significance (1 of 4 stars; one submission).

gnomAD v4.1: 1 of 1,612,580 alleles (0.000062%); highest among the groups gnomAD compares: Non-Finnish European, 0.000085%; no homozygotes.

Submission:

Ambry Genetics
Classification: Uncertain significance. Last evaluated: 2021-07-29. Review status: criteria provided, single submitter. Criteria: Ambry Variant Classification Scheme 2023. Collection method: clinical testing. Allele origin: germline.
Comment: The p.K652I variant (also known as c.1955A>T), located in coding exon 9 of the PALLD gene, results from an A to T substitution at nucleotide position 1955. The lysine at codon 652 is replaced by isoleucine, an amino acid with dissimilar properties. This amino acid position is conserved. In addition, the in silico prediction for this alteration is inconclusive. Since supporting evidence is limited at this time, the clinical significance of this alteration remains unclear.